The following is an entry in ClinVar:

ClinVar aggregate classification (germline): Uncertain significance. Review status: criteria provided, multiple submitters, no conflicts (2 of 4 stars). 2 submissions from 2 submitters: Uncertain significance (2). Last evaluated 2025-11-10.

Conditions:
Hereditary cancer-predisposing syndrome. Also called: Hereditary Cancer Syndrome; Hereditary neoplastic syndrome; Neoplastic Syndromes, Hereditary; Tumor predisposition. Identifiers: Orphanet 140162, MedGen C0027672, MeSH D009386, MONDO:0015356.

Allele frequency attached by ClinVar (database versions not stated): gnomAD exomes 0.00002.
gnomAD v4.1: 27 of 1,566,926 alleles (0.0017%); highest among the groups gnomAD compares: Non-Finnish European, 0.0023%; no homozygotes.

Submissions (2):

Labcorp Genetics (formerly Invitae), Labcorp
Classification: Uncertain significance. Last evaluated: 2025-11-10. Review status: criteria provided, single submitter. Criteria: Invitae Variant Classification Sherloc (09022015). Collection method: clinical testing. Allele origin: germline.
Comment: This sequence change replaces aspartic acid, which is acidic and polar, with tyrosine, which is neutral and polar, at codon 725 of the POLE protein (p.Asp725Tyr). This variant also falls at the last nucleotide of exon 19, which is part of the consensus splice site for this exon. The frequency data for this variant in the population databases is considered unreliable, as metrics indicate poor data quality at this position in the gnomAD database. This variant has not been reported in the literature in individuals affected with POLE-related conditions. ClinVar contains an entry for this variant (Variation ID: 405657). An algorithm developed to predict the effect of missense changes on protein structure and function (PolyPhen-2) suggests that this variant is likely to be disruptive. Variants that disrupt the consensus splice site are a relatively common cause of aberrant splicing (PMID: 17576681, 9536098). RNA analysis performed to evaluate the impact of this missense change on mRNA splicing indicates it does not significantly alter splicing (internal data). In summary, the available evidence is currently insufficient to determine the role of this variant in disease. Therefore, it has been classified as a Variant of Uncertain Significance.

Ambry Genetics
Classification: Uncertain significance for Hereditary cancer-predisposing syndrome. Last evaluated: 2025-04-11. Review status: criteria provided, single submitter. Criteria: Ambry Variant Classification Scheme 2023. Collection method: clinical testing. Allele origin: germline.
Comment: The p.D725Y variant (also known as c.2173G>T), located in coding exon 19 of the POLE gene, results from a G to T substitution at nucleotide position 2173. The amino acid change results in aspartic acid to tyrosine at codon 725, an amino acid with highly dissimilar properties. However, this change occurs in the last base pair of coding exon 19, which makes it likely to have some effect on normal mRNA splicing. This nucleotide position is highly conserved in available vertebrate species. This amino acid position is highly conserved in available vertebrate species. In silico splice site analysis predicts that this alteration will not have any significant effect on splicing. In addition, as a missense substitution this is predicted to be inconclusive by in silico analysis. Based on the available evidence, the clinical significance of this variant remains unclear.

Literature cited by the submitters: PubMed 17576681 (cited by Labcorp Genetics (formerly Invitae), Labcorp); PubMed 9536098 (cited by Labcorp Genetics (formerly Invitae), Labcorp).

NM_006231.4(POLE):c.2173G>T (p.Asp725Tyr)

Gene: POLE (DNA polymerase epsilon, catalytic subunit; minus strand). Cytogenetic location: 12q24.33.
Variant type: single nucleotide variant.
Coding change: c.2173G>T on transcript NM_006231.4 (MANE Select); coding-DNA position 2173, G replaced by T.
Protein change: p.Asp725Tyr; replaces aspartic acid 725 with tyrosine.
Molecular consequence: missense variant.
Genome position (GRCh38, 1-based): chr12:132,668,356, C>A on the plus strand (G>T on the coding strand, the complement: POLE is on the minus strand). VCF-style: chr12-132668356-C-A. GRCh37 (hg19) VCF-style: chr12-133244942-C-A.
Other names: short protein forms D725Y.
Identifiers: ClinVar variation 405657 (VCV000405657.9), dbSNP rs760942391, ClinGen allele CA6893660.